The following is an entry in ClinVar:

ClinVar aggregate classification (germline): Uncertain significance (1 of 4 stars; one submission).

Conditions:
Ataxia-telangiectasia syndrome (AT). Also called: Ataxia telangiectasia (A-T); Cerebello-oculocutaneous telangiectasia; Immunodeficiency with ataxia telangiectasia; ATAXIA-TELANGIECTASIA, FRESNO VARIANT; LOUIS-BAR SYNDROME; Ataxia-telangiectasia, complementation group D. Identifiers: Orphanet 100, MedGen C0004135, MONDO:0008840, OMIM 208900.

Submission:

Labcorp Genetics (formerly Invitae), Labcorp
Classification: Uncertain significance for Ataxia-telangiectasia syndrome. Last evaluated: 2023-07-28. Review status: criteria provided, single submitter. Criteria: Invitae Variant Classification Sherloc (09022015). Collection method: clinical testing. Allele origin: germline.
Comment: In summary, the available evidence is currently insufficient to determine the role of this variant in disease. Therefore, it has been classified as a Variant of Uncertain Significance. Algorithms developed to predict the effect of sequence changes on RNA splicing suggest that this variant may create or strengthen a splice site. Algorithms developed to predict the effect of missense changes on protein structure and function output the following: SIFT: "Not Available"; PolyPhen-2: "Benign"; Align-GVGD: "Not Available". The lysine amino acid residue is found in multiple mammalian species, which suggests that this missense change does not adversely affect protein function. This variant has not been reported in the literature in individuals affected with ATM-related conditions. This variant is not present in population databases (gnomAD no frequency). This sequence change replaces asparagine, which is neutral and polar, with lysine, which is basic and polar, at codon 975 of the ATM protein (p.Asn975Lys).

NM_000051.4(ATM):c.2925T>G (p.Asn975Lys)

Gene: ATM (ATM serine/threonine kinase; plus strand). Cytogenetic location: 11q22.3.
Variant type: single nucleotide variant.
Coding change: c.2925T>G on transcript NM_000051.4 (MANE Select); coding-DNA position 2925, T replaced by G.
Protein change: p.Asn975Lys; replaces asparagine 975 with lysine.
Molecular consequence: missense variant.
Genome position (GRCh38, 1-based): chr11:108,271,254, T>G. VCF-style: chr11-108271254-T-G. GRCh37 (hg19) VCF-style: chr11-108141981-T-G.
Other names: c.2925T>G, p.Asn975Lys (NM_001351834.2); short protein forms N975K.
Identifiers: ClinVar variation 2798194 (VCV002798194.3), dbSNP rs765848319, ClinGen allele CA382547078.